The following is an entry in ClinVar:

ClinVar aggregate classification (germline): Uncertain significance (1 of 4 stars; one submission).

Conditions:
Hereditary spastic paraplegia 73. Also called: Spastic paraplegia 73, autosomal dominant. Identifiers: Orphanet 444099, MedGen C5568981, MONDO:0014568, OMIM 616282.

Allele frequency attached by ClinVar (database versions not stated): TOPMed 0.00001.
gnomAD v4.1: 8 of 1,597,162 alleles (0.0005%); highest among the groups gnomAD compares: Admixed American, 0.014%; no homozygotes.

Submission:

Labcorp Genetics (formerly Invitae), Labcorp
Classification: Uncertain significance for Hereditary spastic paraplegia 73. Last evaluated: 2022-08-24. Review status: criteria provided, single submitter. Criteria: Invitae Variant Classification Sherloc (09022015). Collection method: clinical testing. Allele origin: germline.
Comment: In summary, the available evidence is currently insufficient to determine the role of this variant in disease. Therefore, it has been classified as a Variant of Uncertain Significance. Algorithms developed to predict the effect of missense changes on protein structure and function are either unavailable or do not agree on the potential impact of this missense change (SIFT: "Deleterious"; PolyPhen-2: "Benign"; Align-GVGD: "Class C55"). This variant has not been reported in the literature in individuals affected with CPT1C-related conditions. The frequency data for this variant in the population databases is considered unreliable, as metrics indicate poor data quality at this position in the gnomAD database. This sequence change replaces asparagine, which is neutral and polar, with threonine, which is neutral and polar, at codon 230 of the CPT1C protein (p.Asn230Thr).

NM_001199753.2(CPT1C):c.689A>C (p.Asn230Thr)

Gene: CPT1C (carnitine palmitoyltransferase 1C; plus strand). Cytogenetic location: 19q13.33.
Variant type: single nucleotide variant.
Coding change: c.689A>C on transcript NM_001199753.2 (MANE Select); coding-DNA position 689, A replaced by C.
Protein change: p.Asn230Thr; replaces asparagine 230 with threonine.
Molecular consequence: missense variant. On other transcripts: non-coding transcript variant (1).
Genome position (GRCh38, 1-based): chr19:49,701,630, A>C. VCF-style: chr19-49701630-A-C. GRCh37 (hg19) VCF-style: chr19-50204887-A-C.
Other names: c.689A>C, p.Asn230Thr (NM_001136052.3, NM_001199752.3, NM_001378482.1 and 7 more transcripts); short protein forms N230T.
Identifiers: ClinVar variation 2162435 (VCV002162435.4), dbSNP rs375896661, ClinGen allele CA9581888.